The following is an entry in ClinVar:

ClinVar aggregate classification (germline): Conflicting classifications of pathogenicity. Review status: criteria provided, conflicting classifications (1 of 4 stars). 5 submissions from 5 submitters: Uncertain significance (1); Benign (2); Likely benign (2). Last evaluated 2026-02-04.

Conditions:
Congenital adrenal hyperplasia. Identifiers: Orphanet 418, MedGen C0001627, MONDO:0018479, HP:0008258.
Deficiency of steroid 11-beta-monooxygenase (CYP11B1). Also called: 11-BETA-HYDROXYLASE DEFICIENCY; ADRENAL HYPERPLASIA IV; ADRENAL HYPERPLASIA, CONGENITAL, DUE TO STEROID 11-BETA-HYDROXYLASE DEFICIENCY; P450C11B1 DEFICIENCY; STEROID 11-BETA-HYDROXYLASE DEFICIENCY; Congenital adrenal hyperplasia due to 11-beta-hydroxylase deficiency. Identifiers: Orphanet 90795, MedGen C0268292, MONDO:0008729, OMIM 202010. Disease mechanism: loss of function.

Allele frequency attached by ClinVar (database versions not stated): gnomAD exomes 0.00938 and 0.00991; ESP Exome Variant Server 0.01507; ExAC 0.01548; gnomAD 0.01636 and 0.01661; 1000 Genomes Project 30x 0.01999; 1000 Genomes Project 0.02097.

Submissions (5):

Labcorp Genetics (formerly Invitae), Labcorp
Classification: Benign. Last evaluated: 2026-02-04. Review status: criteria provided, single submitter. Criteria: Invitae Variant Classification Sherloc (09022015). Collection method: clinical testing. Allele origin: germline.

Blueprint Genetics
Classification: Likely benign. Last evaluated: 2024-11-27. Review status: criteria provided, single submitter. Criteria: ACMG Guidelines, 2015. Collection method: clinical testing. Allele origin: germline.

Athena Diagnostics
Classification: Benign. Last evaluated: 2024-01-30. Review status: criteria provided, single submitter. Criteria: Athena Diagnostics Criteria. Collection method: clinical testing. Allele origin: unknown.

Department of Human Genetics, Laborarztpraxis Dres. Walther, Weindel und Kollegen
Classification: Likely benign for Deficiency of steroid 11-beta-monooxygenase. Last evaluated: 2020-04-20. Review status: criteria provided, single submitter. Criteria: ACMG Guidelines, 2015. Collection method: clinical testing. Allele origin: germline. Affected: yes.
Comment: This variant is classified as likely benign because it does not alter an amino acid residue, it is not located within the splice consensus sequence, and a splice prediction algorithm do not predict a newly created splice site. However, there is insufficient evidence to classify this variant as benign.

Women's Health and Genetics/Laboratory Corporation of America, LabCorp
Classification: Uncertain significance for Congenital Adrenal Hyperplasia. Last evaluated: 2011-08-18. Review status: criteria provided, single submitter. Criteria: LabCorp Variant Classification Summary - May 2015. Collection method: curation, clinical testing. Allele origin: germline. Inheritance: autosomal unknown. Affected: yes.
ClinVar note: Converted during submission from uncertain to Uncertain significance.

NM_000497.4(CYP11B1):c.1122-20A>G

Genes: CYP11B1 (cytochrome P450 family 11 subfamily B member 1; minus strand), LOC106799833 (CYP11B1 recombination region; plus strand). Cytogenetic location: 8q24.3.
Variant type: single nucleotide variant.
Coding change: c.1122-20A>G on transcript NM_000497.4 (MANE Select); 20 bases into the intron before coding-DNA position 1122, A replaced by G.
Molecular consequence: intron variant.
Genome position (GRCh38, 1-based): chr8:142,875,332, T>C on the plus strand (A>G on the coding strand, the complement: CYP11B1 is on the minus strand). VCF-style: chr8-142875332-T-C. GRCh37 (hg19) VCF-style: chr8-143956748-T-C.
Other names: c.1122-20A>G (NM_001026213.1).
Identifiers: ClinVar variation 35984 (VCV000035984.16), dbSNP rs61752794, ClinGen allele CA213657.